The following is an entry in ClinVar:

NM_006231.4(POLE):c.6610G>A (p.Val2204Met)

Gene: POLE (DNA polymerase epsilon, catalytic subunit; minus strand). Cytogenetic location: 12q24.33.
Variant type: single nucleotide variant.
Coding change: c.6610G>A on transcript NM_006231.4 (MANE Select); coding-DNA position 6610, G replaced by A.
Protein change: p.Val2204Met; replaces valine 2204 with methionine.
Molecular consequence: missense variant.
Genome position (GRCh38, 1-based): chr12:132,625,692, C>T on the plus strand (G>A on the coding strand, the complement: POLE is on the minus strand). VCF-style: chr12-132625692-C-T. GRCh37 (hg19) VCF-style: chr12-133202278-C-T.
Other names: c.6610G>A (NM_006231.2); short protein forms V2204M.
Identifiers: ClinVar variation 569695 (VCV000569695.27), dbSNP rs1060500871, ClinGen allele CA387366590.

ClinVar aggregate classification (germline): Uncertain significance. Review status: criteria provided, multiple submitters, no conflicts (2 of 4 stars). 6 submissions from 6 submitters: Uncertain significance (6). Last evaluated 2025-12-10.

Conditions:
Hereditary cancer-predisposing syndrome. Also called: Tumor predisposition; Hereditary Cancer Syndrome; Hereditary neoplastic syndrome; Neoplastic Syndromes, Hereditary. Identifiers: Orphanet 140162, MedGen C0027672, MeSH D009386, MONDO:0015356.
Facial dysmorphism-immunodeficiency-livedo-short stature syndrome. Also called: Facial dysmorphism, immunodeficiency, livedo, and short stature; FILS syndrome. Identifiers: Orphanet 352712, MedGen C3554576, MONDO:0014058, OMIM 615139.

Allele frequency attached by ClinVar (database versions not stated): gnomAD 0.00001 and 0.00002; TOPMed 0.00003.
gnomAD v4.1: 12 of 1,613,724 alleles (0.00074%); highest among the groups gnomAD compares: Middle Eastern, 0.016%; no homozygotes.

Submissions (6):

Labcorp Genetics (formerly Invitae), Labcorp
Classification: Uncertain significance. Last evaluated: 2025-12-10. Review status: criteria provided, single submitter. Criteria: Invitae Variant Classification Sherloc (09022015). Collection method: clinical testing. Allele origin: germline.
Comment: This sequence change replaces valine, which is neutral and non-polar, with methionine, which is neutral and non-polar, at codon 2204 of the POLE protein (p.Val2204Met). This variant is present in population databases (no rsID available, gnomAD 0.002%). This variant has not been reported in the literature in individuals affected with POLE-related conditions. ClinVar contains an entry for this variant (Variation ID: 569695). Invitae Evidence Modeling of protein sequence and biophysical properties (such as structural, functional, and spatial information, amino acid conservation, physicochemical variation, residue mobility, and thermodynamic stability) indicates that this missense variant is not expected to disrupt POLE protein function with a negative predictive value of 80%. In summary, the available evidence is currently insufficient to determine the role of this variant in disease. Therefore, it has been classified as a Variant of Uncertain Significance.

CeGaT Center for Human Genetics Tuebingen
Classification: Uncertain significance. Last evaluated: 2025-07-01. Review status: criteria provided, single submitter. Criteria: CeGaT Center For Human Genetics Tuebingen Variant Classification Criteria Version 2. Collection method: clinical testing. Allele origin: germline. Affected: yes. Observed: 1 variant allele.
Comment: POLE: PM2, BP4

Revvity Omics, Revvity
Classification: Uncertain significance. Last evaluated: 2024-12-27. Review status: criteria provided, single submitter. Criteria: ACMG Guidelines, 2015. Collection method: clinical testing. Allele origin: germline.

Ambry Genetics
Classification: Uncertain significance for Hereditary cancer-predisposing syndrome. Last evaluated: 2024-12-19. Review status: criteria provided, single submitter. Criteria: Ambry Variant Classification Scheme 2023. Collection method: clinical testing. Allele origin: germline.
Comment: The p.V2204M variant (also known as c.6610G>A), located in coding exon 47 of the POLE gene, results from a G to A substitution at nucleotide position 6610. The valine at codon 2204 is replaced by methionine, an amino acid with highly similar properties. This amino acid position is conserved. In addition, this alteration is predicted to be tolerated by in silico analysis. Based on the available evidence, the clinical significance of this variant remains unclear.

GeneDx
Classification: Uncertain significance. Last evaluated: 2024-01-31. Review status: criteria provided, single submitter. Criteria: GeneDx Variant Classification Process June 2021. Collection method: clinical testing. Allele origin: germline. Affected: yes.
Comment: Not observed at significant frequency in large population cohorts (gnomAD); In silico analysis supports that this missense variant does not alter protein structure/function; Has not been previously published as pathogenic or benign to our knowledge; This variant is associated with the following publications: (PMID: 19296856)

3billion
Classification: Uncertain significance for Facial dysmorphism-immunodeficiency-livedo-short stature syndrome. Last evaluated: 2022-05-22. Review status: criteria provided, single submitter. Criteria: ACMG Guidelines, 2015. Collection method: clinical testing. Allele origin: germline. Affected: yes. Observed: 1 heterozygote.
Comment: The variant is observed at an extremely low frequency in the gnomAD v2.1.1 dataset (total allele frequency: 0.003%). In silico tool predictions suggest no damaging effect of the variant on gene or gene product (REVEL: 0.26; 3Cnet: 0.01). Therefore, this variant is classified as uncertain significanceaccording to the recommendation of ACMG/AMP guideline.